The following is an entry in ClinVar:

NM_001868.4(CPA1):c.221C>G (p.Ala74Gly)

Gene: CPA1 (carboxypeptidase A1; plus strand). Cytogenetic location: 7q32.2.
Variant type: single nucleotide variant.
Coding change: c.221C>G on transcript NM_001868.4 (MANE Select); coding-DNA position 221, C replaced by G.
Protein change: p.Ala74Gly; replaces alanine 74 with glycine.
Molecular consequence: missense variant.
Genome position (GRCh38, 1-based): chr7:130,381,703, C>G. VCF-style: chr7-130381703-C-G. GRCh37 (hg19) VCF-style: chr7-130021544-C-G.
Other names: short protein forms A74G.
Identifiers: ClinVar variation 1787900 (VCV001787900.2), dbSNP rs149470727, ClinGen allele CA369279855.

ClinVar aggregate classification (germline): Uncertain significance (1 of 4 stars; one submission).

Conditions:
Hereditary pancreatitis (PCTT). Also called: Hereditary chronic pancreatitis; PRSS1-Related Hereditary Pancreatitis. Identifiers: Orphanet 676, MedGen C0238339, MONDO:0008185, OMIM 167800.

Submission:

Ambry Genetics
Classification: Uncertain significance for Hereditary pancreatitis. Last evaluated: 2022-08-09. Review status: criteria provided, single submitter. Criteria: Ambry Variant Classification Scheme 2023. Collection method: clinical testing. Allele origin: germline.
Comment: The p.A74G variant (also known as c.221C>G), located in coding exon 3 of the CPA1 gene, results from a C to G substitution at nucleotide position 221. The alanine at codon 74 is replaced by glycine, an amino acid with similar properties. This amino acid position is conserved. In addition, this alteration is predicted to be tolerated by in silico analysis. Since supporting evidence is limited at this time, the clinical significance of this alteration remains unclear.